The following is an entry in ClinVar:

NM_000669.5(ADH1C):c.415C>T (p.His139Tyr)

Gene: ADH1C (alcohol dehydrogenase 1C (class I), gamma polypeptide; minus strand). Cytogenetic location: 4q23.
Variant type: single nucleotide variant.
Coding change: c.415C>T on transcript NM_000669.5 (MANE Select); coding-DNA position 415, C replaced by T.
Protein change: p.His139Tyr; replaces histidine 139 with tyrosine.
Molecular consequence: missense variant. On other transcripts: non-coding transcript variant (1).
Genome position (GRCh38, 1-based): chr4:99,345,014, G>A on the plus strand (C>T on the coding strand, the complement: ADH1C is on the minus strand). VCF-style: chr4-99345014-G-A. GRCh37 (hg19) VCF-style: chr4-100266171-G-A.
Other names: short protein forms H139Y.
Identifiers: ClinVar variation 4638472 (VCV004638472.2).
Genomic context (GRCh38, chr4:99,345,014, plus strand): 5'-CCACTGCATTCTCATCCACCACTGTGTACTGGGAGAAGGTGCTGACGCCGACGAAGTGGT[G>A]GATGGGCTTCCCGCTGCAGGTGAACCTCCTGGTGCCATCCTGCAGGGTCCCCCGAGGATT-3'
Protein context (NP_000660.1, residues 129-149): RRFTCSGKPI[His139Tyr]HFVGVSTFSQ

ClinVar aggregate classification (germline): Uncertain significance. Review status: criteria provided, multiple submitters, no conflicts (2 of 4 stars). 2 submissions from 2 submitters: Uncertain significance (2). Last evaluated 2026-04-06.

gnomAD v4.1: 169 of 1,614,208 alleles (0.01%); highest among the groups gnomAD compares: African/African-American, 0.19%; 1 homozygote.

Submissions (2):

Women's Health and Genetics/Laboratory Corporation of America, LabCorp
Classification: Uncertain significance. Last evaluated: 2026-04-06. Review status: criteria provided, single submitter. Criteria: LabCorp Variant Classification Summary - May 2015. Collection method: clinical testing. Allele origin: germline.
Comment: Variant summary: ADH1C c.415C>T (p.His139Tyr) results in a conservative amino acid change in the encoded protein sequence. Algorithms developed to predict the effect of missense changes on protein structure and function are either unavailable or do not agree on the potential impact of this missense change. The variant allele was found at a frequency of 8.8e-05 in 251376 control chromosomes. This frequency is not significantly higher than estimated for disease-causing variants in ADH1C, allowing no conclusion about variant significance. To our knowledge, no occurrence of c.415C>T in individuals affected with ADH1C-related conditions and no experimental evidence demonstrating its impact on protein function have been reported. ClinVar contains an entry for this variant (Variation ID: 4638472). Based on the evidence outlined above, the variant was classified as uncertain significance.

Ambry Genetics
Classification: Uncertain significance. Last evaluated: 2025-09-25. Review status: criteria provided, single submitter. Criteria: Ambry Variant Classification Scheme 2023. Collection method: clinical testing. Allele origin: germline.